The following is an entry in ClinVar:

NM_005751.5(AKAP9):c.3127G>A (p.Gly1043Ser)

Gene: AKAP9 (A-kinase anchoring protein 9; plus strand). Cytogenetic location: 7q21.2.
Variant type: single nucleotide variant.
Coding change: c.3127G>A on transcript NM_005751.5 (MANE Select); coding-DNA position 3127, G replaced by A.
Protein change: p.Gly1043Ser; replaces glycine 1043 with serine.
Molecular consequence: missense variant.
Genome position (GRCh38, 1-based): chr7:92,003,044, G>A. VCF-style: chr7-92003044-G-A. GRCh37 (hg19) VCF-style: chr7-91632358-G-A.
Other names: c.3127G>A, p.Gly1043Ser (NM_147185.3); short protein forms G1043S.
Identifiers: ClinVar variation 2449795 (VCV002449795.2), dbSNP rs1799361733, ClinGen allele CA368125696.

ClinVar aggregate classification (germline): Uncertain significance (1 of 4 stars; one submission).

Conditions:
Cardiovascular phenotype. Identifiers: MedGen CN230736.

Allele frequency attached by ClinVar (database versions not stated): gnomAD exomes 0.00001.
gnomAD v4.1: 12 of 1,613,144 alleles (0.00074%); highest among the groups gnomAD compares: Non-Finnish European, 0.00085%; no homozygotes.

Submission:

Ambry Genetics
Classification: Uncertain significance for Cardiovascular phenotype. Last evaluated: 2023-02-28. Review status: criteria provided, single submitter. Criteria: Ambry Variant Classification Scheme 2023. Collection method: clinical testing. Allele origin: germline.
Comment: The p.G1043S variant (also known as c.3127G>A), located in coding exon 8 of the AKAP9 gene, results from a G to A substitution at nucleotide position 3127. The glycine at codon 1043 is replaced by serine, an amino acid with similar properties. This amino acid position is conserved. In addition, this alteration is predicted to be tolerated by in silico analysis. Since supporting evidence is limited at this time, the clinical significance of this alteration remains unclear.